The following is an entry in ClinVar:

NM_001297.5(CNGB1):c.634A>T (p.Thr212Ser)

Gene: CNGB1 (cyclic nucleotide gated channel subunit beta 1; minus strand). Cytogenetic location: 16q21.
Variant type: single nucleotide variant.
Coding change: c.634A>T on transcript NM_001297.5 (MANE Select); coding-DNA position 634, A replaced by T.
Protein change: p.Thr212Ser; replaces threonine 212 with serine.
Molecular consequence: missense variant.
Genome position (GRCh38, 1-based): chr16:57,960,015, T>A on the plus strand (A>T on the coding strand, the complement: CNGB1 is on the minus strand). VCF-style: chr16-57960015-T-A. GRCh37 (hg19) VCF-style: chr16-57993919-T-A.
Other names: c.634A>T, p.Thr212Ser (NM_001135639.2); c.616A>T, p.Thr206Ser (NM_001286130.2); short protein forms T212S, T206S.
Identifiers: ClinVar variation 193628 (VCV000193628.26), dbSNP rs192628905, ClinGen allele CA200691.
Genomic context (GRCh38, chr16:57,960,015, plus strand): 5'-CTGGTGCCTCCTTGGGTTCCTCCTTGGGCTGCAGGGGGATGGGTGTGGGCAGGGAGGGGG[T>A]CTCCCGGGCCTGCAGCTTGGGCCCCATTTCCTGGGGGCGTCCTGGAGGCGCTAAGCAGCG-3'
Protein context (NP_001288.3, residues 202-222): EMGPKLQARE[Thr212Ser]PSLPTPIPLQ

ClinVar aggregate classification (germline): Conflicting classifications of pathogenicity. Review status: criteria provided, conflicting classifications (1 of 4 stars). 5 submissions from 5 submitters: Uncertain significance (2); Benign (2); Likely benign (1). Last evaluated 2026-01-30.

Conditions:
Retinitis pigmentosa (RP). Identifiers: Orphanet 791, MedGen C0035334, MeSH D012174, MONDO:0019200, OMIM 268000. Inheritance: Autosomal dominant, autosomal recessive and X linked inheritance.

Allele frequency attached by ClinVar (database versions not stated): gnomAD exomes 0.00067 and 0.00142; ExAC 0.00303; ESP Exome Variant Server 0.00417; gnomAD 0.00476 and 0.00486; 1000 Genomes Project 0.00479; TOPMed 0.00543; 1000 Genomes Project 30x 0.00593.
gnomAD v4.1: 1,743 of 1,575,870 alleles (0.11%); highest among the groups gnomAD compares: African/African-American, 1.5%; 15 homozygotes.

Submissions (5):

Labcorp Genetics (formerly Invitae), Labcorp
Classification: Benign. Last evaluated: 2026-01-30. Review status: criteria provided, single submitter. Criteria: Invitae Variant Classification Sherloc (09022015). Collection method: clinical testing. Allele origin: germline.

Blueprint Genetics
Classification: Likely benign. Last evaluated: 2024-11-26. Review status: criteria provided, single submitter. Criteria: ACMG Guidelines, 2015. Collection method: clinical testing. Allele origin: germline.

Illumina Laboratory Services, Illumina
Classification: Uncertain significance for Retinitis pigmentosa. Last evaluated: 2018-01-12. Review status: criteria provided, single submitter. Criteria: ICSL Variant Classification Criteria 13 December 2019. Collection method: clinical testing. Allele origin: germline.

ARUP Laboratories, Molecular Genetics and Genomics, ARUP Laboratories
Classification: Uncertain significance. Last evaluated: 2017-05-29. Review status: criteria provided, single submitter. Criteria: ARUP Molecular Germline Variant Investigation Process. Collection method: clinical testing. Allele origin: germline.
Comment: The CNGB1 c.634A>T;p.Thr212Ser variant has not been described in the medical literature, but is listed in the ClinVar database (Variation ID: 193628). The variant is listed in the dbSNP variant database (rs192628905) with an allele frequency of 1.2598 percent (48/3762 alleles) in the African American population in the Exome Variant Server and 1.527 percent (293/19194 alleles) in the African population in the Genome Aggregation Database. The amino acid at this position is not conserved and several other mammals have a serine at this position. Additionally, computational algorithms (AlignGVGD, PolyPhen2, SIFT) predict this variant is tolerated. However, this information is not sufficient to consider the variant benign. Therefore, the variant cannot be classified as benign or pathogenic at this time. If this variant is later determined to be pathogenic, this variant would be causative for autosomal recessive retinitis pigmentosa (OMIM#600724).

Eurofins Ntd Llc (ga)
Classification: Benign. Last evaluated: 2014-08-20. Review status: criteria provided, single submitter. Criteria: EGL Classification Definitions 2015. Collection method: clinical testing. Allele origin: germline. Observed: 1 variant allele, 1 heterozygote.